The following is an entry in ClinVar:

ClinVar aggregate classification (germline): Uncertain significance (1 of 4 stars; one submission).

Conditions:
Familial temporal lobe epilepsy 7. Identifiers: Orphanet 101046, MedGen C4225327, MONDO:0014639, OMIM 616436.
Norman-Roberts syndrome (LIS2). Also called: Lissencephaly 2 (Norman-Roberts type). Identifiers: Orphanet 89844, MedGen C0796089, MONDO:0009760, OMIM 257320.

Allele frequency attached by ClinVar (database versions not stated): gnomAD exomes 0.00001 and 0.00003; gnomAD 0.00003 and 0.00004; TOPMed 0.00003; ESP Exome Variant Server 0.00008.
gnomAD v4.1: 42 of 1,614,072 alleles (0.0026%); highest among the groups gnomAD compares: Non-Finnish European, 0.0035%; no homozygotes.

Submission:

Labcorp Genetics (formerly Invitae), Labcorp
Classification: Uncertain significance for Familial temporal lobe epilepsy 7; Norman-Roberts syndrome. Last evaluated: 2024-09-10. Review status: criteria provided, single submitter. Criteria: Invitae Variant Classification Sherloc (09022015). Collection method: clinical testing. Allele origin: germline.
Comment: This sequence change replaces asparagine, which is neutral and polar, with serine, which is neutral and polar, at codon 3366 of the RELN protein (p.Asn3366Ser). This variant is present in population databases (rs148140675, gnomAD 0.003%). This variant has not been reported in the literature in individuals affected with RELN-related conditions. ClinVar contains an entry for this variant (Variation ID: 639323). Invitae Evidence Modeling of protein sequence and biophysical properties (such as structural, functional, and spatial information, amino acid conservation, physicochemical variation, residue mobility, and thermodynamic stability) indicates that this missense variant is not expected to disrupt RELN protein function with a negative predictive value of 80%. In summary, the available evidence is currently insufficient to determine the role of this variant in disease. Therefore, it has been classified as a Variant of Uncertain Significance.

NM_005045.4(RELN):c.10097A>G (p.Asn3366Ser)

Genes: SLC26A5-AS1 (SLC26A5 antisense RNA 1; plus strand), RELN (reelin; minus strand). Cytogenetic location: 7q22.1.
Variant type: single nucleotide variant.
Coding change: c.10097A>G on transcript NM_005045.4 (MANE Select); coding-DNA position 10097, A replaced by G.
Protein change: p.Asn3366Ser; replaces asparagine 3366 with serine.
Molecular consequence: missense variant.
Genome position (GRCh38, 1-based): chr7:103,483,737, T>C on the plus strand (A>G on the coding strand, the complement: RELN is on the minus strand). VCF-style: chr7-103483737-T-C. GRCh37 (hg19) VCF-style: chr7-103124184-T-C.
Other names: c.10097A>G, p.Asn3366Ser (NM_173054.3); short protein forms N3366S.
Identifiers: ClinVar variation 639323 (VCV000639323.10), dbSNP rs148140675, ClinGen allele CA163899127.
Genomic context (GRCh38, chr7:103,483,737, plus strand): 5'-TGAGCTTGTGTGAAGTCCTTTGGCTGGTGCTGGGCGATGACATGCCAGGTGATCCCGTTG[T>C]TGACGCTGTATTGCAGCAGCACTGCCTTGTCCACAGCGTGGGGGCCACTCAGGTCACTGT-3'
Protein context (NP_005036.2, residues 3356-3376): DKAVLLQYSV[Asn3366Ser]NGITWHVIAQ